The following is an entry in ClinVar:

NM_001365951.3(KIF1B):c.2115+6940_2115+6942del

Gene: KIF1B (kinesin family member 1B; plus strand). Cytogenetic location: 1p36.22.
Variant type: Deletion.
Coding change: c.2115+6940_2115+6942del on transcript NM_001365951.3 (MANE Select); bases 6940 to 6942 of the intron after coding-DNA position 2115, 3 bases deleted (AAA; older notation c.2115+6940_2115+6942delAAA).
Molecular consequence: intron variant.
Genome position (GRCh38, 1-based): chr1:10,304,186-10,304,188, AAA deleted. VCF-style (leftmost placement, unchanged base first): chr1-10304185-TAAA-T. GRCh37 (hg19) VCF-style: chr1-10364243-TAAA-T.
Other names: c.3001_3003del, p.Lys1001del (NM_001365953.1, NM_183416.4); c.1977+6940_1977+6942del (NM_015074.3); c.2115+6940_2115+6942del (NM_001365952.1); short protein forms K1001del.
Identifiers: ClinVar variation 3030497 (VCV003030497.2), dbSNP rs925443785, ClinGen allele CA17820065.

ClinVar aggregate classification (germline): Uncertain significance (0 of 4 stars; one submission).

Conditions:
KIF1B-related disorder. Also called: KIF1B-related condition.

Allele frequency attached by ClinVar (database versions not stated): gnomAD 0.00001; gnomAD exomes 0.00001; TOPMed 0.00004.

Submission:

PreventionGenetics, part of Exact Sciences
Classification: Uncertain significance for KIF1B-related condition. Last evaluated: 2023-11-06. Review status: no assertion criteria provided. Collection method: clinical testing. Allele origin: germline.
Comment: The KIF1B c.3001_3003delAAA variant is predicted to result in an in-frame deletion (p.Lys1001del). In an alternate transcript (NM_015074.3), this variant is found within an intronic region (c.1977+6940_1977+6942delAAA). To our knowledge, this variant has not been reported in the literature. This variant is reported in 0.0031% of alleles in individuals of European (Non-Finnish) descent in gnomAD. At this time, the clinical significance of this variant is uncertain due to the absence of conclusive functional and genetic evidence.